The following is an entry in ClinVar:

NM_001243279.3(ACSF3):c.1502-1G>C

Gene: ACSF3 (acyl-CoA synthetase family member 3; plus strand). Cytogenetic location: 16q24.3.
Variant type: single nucleotide variant.
Coding change: c.1502-1G>C on transcript NM_001243279.3 (MANE Select); the canonical splice acceptor site of the intron before coding-DNA position 1502, G replaced by C.
Molecular consequence: splice acceptor variant.
Genome position (GRCh38, 1-based): chr16:89,145,937, G>C. VCF-style: chr16-89145937-G-C. GRCh37 (hg19) VCF-style: chr16-89212345-G-C.
Other names: c.1502-1G>C (NM_001127214.4, NM_174917.5); c.707-1G>C (NM_001284316.2).
Identifiers: ClinVar variation 2857574 (VCV002857574.3), dbSNP rs750796059, ClinGen allele CA397148788.

ClinVar aggregate classification (germline): Likely pathogenic (1 of 4 stars; one submission).

Conditions:
Combined malonic and methylmalonic acidemia. Identifiers: Orphanet 289504, MedGen C3280314, MONDO:0013661, OMIM 614265.

Submission:

Labcorp Genetics (formerly Invitae), Labcorp
Classification: Likely pathogenic for Combined malonic and methylmalonic acidemia. Last evaluated: 2025-08-30. Review status: criteria provided, single submitter. Criteria: Invitae Variant Classification Sherloc (09022015). Collection method: clinical testing. Allele origin: germline.
Comment: This sequence change affects an acceptor splice site in intron 9 of the ACSF3 gene. It is expected to disrupt RNA splicing. Variants that disrupt the donor or acceptor splice site typically lead to a loss of protein function (PMID: 16199547), and loss-of-function variants in ACSF3 are known to be pathogenic (PMID: 21841779, 26827111). This variant is not present in population databases (gnomAD no frequency). This variant has not been reported in the literature in individuals affected with ACSF3-related conditions. ClinVar contains an entry for this variant (Variation ID: 2857574). Algorithms developed to predict the effect of sequence changes on RNA splicing suggest that this variant may disrupt the consensus splice site. In summary, the currently available evidence indicates that the variant is pathogenic, but additional data are needed to prove that conclusively. Therefore, this variant has been classified as Likely Pathogenic.

Literature cited by the submitters: PubMed 16199547; PubMed 21841779; PubMed 26827111.